The following is an entry in ClinVar:

ClinVar aggregate classification (germline): Benign. Review status: criteria provided, multiple submitters, no conflicts (2 of 4 stars). 2 submissions from 2 submitters: Benign (2). Last evaluated 2018-01-13.

Conditions:
Leukodystrophy, hypomyelinating, 7, with or without oligodontia and/or hypogonadotropic hypogonadism (HLD7). Also called: LEUKOENCEPHALOPATHY, HYPOMYELINATING, WITH ATAXIA AND DELAYED DENTITION; ATAXIA, DELAYED DENTITION, AND HYPOMYELINATION; LEUKODYSTROPHY, HYPOMYELINATING, 7, WITH OLIGODONTIA; LEUKODYSTROPHY, HYPOMYELINATING, 7, WITH OLIGODONTIA AND HYPOGONADOTROPIC HYPOGONADISM; LEUKODYSTROPHY, HYPOMYELINATING, 7, WITHOUT OLIGODONTIA OR HYPOGONADOTROPIC HYPOGONADISM; Ataxia, Delayed Dentition and Hypomyelination (ADDH). Identifiers: Orphanet 137639, Orphanet 447893, Orphanet 447896, Orphanet 77295, Orphanet 88637, MedGen CN034185, MONDO:0011897, OMIM 607694.

Allele frequency attached by ClinVar (database versions not stated): gnomAD exomes 0.12121; gnomAD 0.15801 and 0.15868; TOPMed 0.16231; 1000 Genomes Project 30x 0.16583; 1000 Genomes Project 0.16753.
gnomAD v4.1: 24,346 of 152,228 alleles (16%); highest among the groups gnomAD compares: East Asian, 27%; 2,095 homozygotes.

Submissions (2):

Illumina Laboratory Services, Illumina
Classification: Benign for Leukodystrophy, hypomyelinating, 7, with or without oligodontia and/or hypogonadotropic hypogonadism. Last evaluated: 2018-01-13. Review status: criteria provided, single submitter. Criteria: ICSL Variant Classification Criteria 13 December 2019. Collection method: clinical testing. Allele origin: germline.
Comment: This variant was observed in the ICSL laboratory as part of a predisposition screen in an ostensibly healthy population. It had not been previously curated by ICSL or reported in the Human Gene Mutation Database (HGMD: prior to June 1st, 2018), and was therefore a candidate for classification through an automated scoring system. Utilizing variant allele frequency, disease prevalence and penetrance estimates, and inheritance mode, an automated score was calculated to assess if this variant is too frequent to cause the disease. Based on the score and internal cut-off values, a variant classified as benign is not then subjected to further curation. The score for this variant resulted in a classification of benign for this disease.

Breakthrough Genomics
Classification: Benign. Review status: criteria provided, single submitter. Criteria: ACMG Guidelines, 2015. Collection method: not provided. Allele origin: germline. Inheritance: Autosomal recessive inheritance. Affected: yes.

NM_007055.4(POLR3A):c.*1763G>A

Gene: POLR3A (RNA polymerase III subunit A; minus strand). Cytogenetic location: 10q22.3.
Variant type: single nucleotide variant.
Coding change: c.*1763G>A on transcript NM_007055.4 (MANE Select); 1763 bases downstream of the stop codon, G replaced by A.
Molecular consequence: 3 prime UTR variant.
Genome position (GRCh38, 1-based): chr10:77,975,715, C>T on the plus strand (G>A on the coding strand, the complement: POLR3A is on the minus strand). VCF-style: chr10-77975715-C-T. GRCh37 (hg19) VCF-style: chr10-79735473-C-T.
Identifiers: ClinVar variation 300999 (VCV000300999.6), dbSNP rs4979935, ClinGen allele CA10636047.